The following is an entry in ClinVar:

NM_152384.3(BBS5):c.209-9G>A

Gene: BBS5 (Bardet-Biedl syndrome 5; plus strand). Cytogenetic location: 2q31.1.
Variant type: single nucleotide variant.
Coding change: c.209-9G>A on transcript NM_152384.3 (MANE Select); 9 bases into the intron before coding-DNA position 209, G replaced by A.
Molecular consequence: intron variant.
Genome position (GRCh38, 1-based): chr2:169,487,797, G>A. VCF-style: chr2-169487797-G-A. GRCh37 (hg19) VCF-style: chr2-170344307-G-A.
Identifiers: ClinVar variation 2030016 (VCV002030016.4), dbSNP rs2468037127, ClinGen allele CA2580064476.

ClinVar aggregate classification (germline): Uncertain significance (1 of 4 stars; one submission).

Conditions:
Bardet-Biedl syndrome (BBS). Identifiers: Orphanet 110, MedGen C0752166, MONDO:0015229.

Submission:

Labcorp Genetics (formerly Invitae), Labcorp
Classification: Uncertain significance for Bardet-Biedl syndrome. Last evaluated: 2024-04-20. Review status: criteria provided, single submitter. Criteria: Invitae Variant Classification Sherloc (09022015). Collection method: clinical testing. Allele origin: germline.
Comment: This sequence change falls in intron 3 of the BBS5 gene. It does not directly change the encoded amino acid sequence of the BBS5 protein. This variant is not present in population databases (gnomAD no frequency). This variant has not been reported in the literature in individuals affected with BBS5-related conditions. ClinVar contains an entry for this variant (Variation ID: 2030016). Algorithms developed to predict the effect of sequence changes on RNA splicing suggest that this variant may disrupt the consensus splice site. In summary, the available evidence is currently insufficient to determine the role of this variant in disease. Therefore, it has been classified as a Variant of Uncertain Significance.